The following is an entry in ClinVar:

NM_001080476.3(GRXCR1):c.256G>A (p.Ala86Thr)

Gene: GRXCR1 (glutaredoxin and cysteine rich domain containing 1; plus strand). Cytogenetic location: 4p13.
Variant type: single nucleotide variant.
Coding change: c.256G>A on transcript NM_001080476.3 (MANE Select); coding-DNA position 256, G replaced by A.
Protein change: p.Ala86Thr; replaces alanine 86 with threonine.
Molecular consequence: missense variant.
Genome position (GRCh38, 1-based): chr4:42,893,522, G>A. VCF-style: chr4-42893522-G-A. GRCh37 (hg19) VCF-style: chr4-42895539-G-A.
Other names: c.256G>A (NM_001080476.2); short protein forms A86T.
Identifiers: ClinVar variation 2416217 (VCV002416217.5), dbSNP rs922370176, ClinGen allele CA96303251.

ClinVar aggregate classification (germline): Uncertain significance. Review status: criteria provided, multiple submitters, no conflicts (2 of 4 stars). 2 submissions from 2 submitters: Uncertain significance (2). Last evaluated 2025-12-08.

Conditions:
Inborn genetic diseases. Identifiers: MedGen C0950123, MeSH D030342.

Allele frequency attached by ClinVar (database versions not stated): gnomAD 0.00001; TOPMed 0.00001.
gnomAD v4.1: 4 of 1,613,866 alleles (0.00025%); highest among the groups gnomAD compares: Non-Finnish European, 0.00034%; no homozygotes.

Submissions (2):

Labcorp Genetics (formerly Invitae), Labcorp
Classification: Uncertain significance. Last evaluated: 2025-12-08. Review status: criteria provided, single submitter. Criteria: Invitae Variant Classification Sherloc (09022015). Collection method: clinical testing. Allele origin: germline.
Comment: This sequence change replaces alanine, which is neutral and non-polar, with threonine, which is neutral and polar, at codon 86 of the GRXCR1 protein (p.Ala86Thr). This variant is not present in population databases (gnomAD no frequency). This variant has not been reported in the literature in individuals affected with GRXCR1-related conditions. ClinVar contains an entry for this variant (Variation ID: 2416217). Invitae Evidence Modeling of protein sequence and biophysical properties (such as structural, functional, and spatial information, amino acid conservation, physicochemical variation, residue mobility, and thermodynamic stability) indicates that this missense variant is not expected to disrupt GRXCR1 protein function with a negative predictive value of 80%. In summary, the available evidence is currently insufficient to determine the role of this variant in disease. Therefore, it has been classified as a Variant of Uncertain Significance.

Ambry Genetics
Classification: Uncertain significance for Inborn genetic diseases. Last evaluated: 2024-10-21. Review status: criteria provided, single submitter. Criteria: Ambry Variant Classification Scheme 2023. Collection method: clinical testing. Allele origin: germline.